The following is an entry in ClinVar:

NM_177438.3(DICER1):c.1449C>T (p.Gly483=)

Gene: DICER1 (dicer 1, ribonuclease III; minus strand). Cytogenetic location: 14q32.13.
Variant type: single nucleotide variant.
Coding change: c.1449C>T on transcript NM_177438.3 (MANE Select); coding-DNA position 1449, C replaced by T.
Protein change: p.Gly483=; no amino-acid change (glycine 483 retained).
Molecular consequence: synonymous variant.
Genome position (GRCh38, 1-based): chr14:95,117,682, G>A on the plus strand (C>T on the coding strand, the complement: DICER1 is on the minus strand). VCF-style: chr14-95117682-G-A. GRCh37 (hg19) VCF-style: chr14-95584019-G-A.
Other names: c.1449C>T, p.Gly483= (NM_001195573.1, NM_001271282.3, NM_001291628.2 and 1 more transcripts).
Identifiers: ClinVar variation 412040 (VCV000412040.25), dbSNP rs569346627, ClinGen allele CA7331481.

ClinVar aggregate classification (germline): Conflicting classifications of pathogenicity. Review status: criteria provided, conflicting classifications (1 of 4 stars). 6 submissions from 6 submitters: Uncertain significance (1); Benign (1); Likely benign (4). Last evaluated 2026-04-15.

Conditions:
Hereditary cancer-predisposing syndrome. Also called: Hereditary Cancer Syndrome; Neoplastic Syndromes, Hereditary; Hereditary neoplastic syndrome; Tumor predisposition. Identifiers: Orphanet 140162, MedGen C0027672, MeSH D009386, MONDO:0015356.
DICER1-related tumor predisposition. Also called: DICER1-related pleuropulmonary blastoma cancer predisposition syndrome; DICER1 syndrome. Identifiers: Orphanet 284343, MedGen C3839822, MONDO:0100216.

Allele frequency attached by ClinVar (database versions not stated): gnomAD 0.00001; TOPMed 0.00003; 1000 Genomes Project 0.00020; gnomAD exomes below 0.00001 and 0.00002; ExAC 0.00001; 1000 Genomes Project 30x 0.00016.
gnomAD v4.1: 9 of 1,613,918 alleles (0.00056%); highest among the groups gnomAD compares: East Asian, 0.013%; no homozygotes.

Submissions (6):

Myriad Genetics, Inc.
Classification: Benign for DICER1-related tumor predisposition. Last evaluated: 2026-04-15. Review status: criteria provided, single submitter. Criteria: Myriad Autosomal Dominant, Autosomal Recessive and X-Linked Classification Criteria (2023). Collection method: clinical testing. Allele origin: unknown.
Comment: This variant is considered benign. This variant is a silent/synonymous amino acid change and it is not expected to impact splicing.

Labcorp Genetics (formerly Invitae), Labcorp
Classification: Likely benign for DICER1-related tumor predisposition. Last evaluated: 2025-12-16. Review status: criteria provided, single submitter. Criteria: Invitae Variant Classification Sherloc (09022015). Collection method: clinical testing. Allele origin: germline.

Center for Genomic Medicine, Rigshospitalet, Copenhagen University Hospital
Classification: Likely benign. Last evaluated: 2025-03-04. Review status: criteria provided, single submitter. Criteria: ACMG Guidelines, 2015. Collection method: clinical testing. Allele origin: germline.

Department of Pathology and Laboratory Medicine, Sinai Health System
Classification: Uncertain significance for DICER1-related tumor predisposition. Last evaluated: 2022-08-18. Review status: criteria provided, single submitter. Criteria: ACMG Guidelines, 2015. Collection method: clinical testing. Allele origin: germline. Affected: yes.

Sema4
Classification: Likely benign for Hereditary cancer-predisposing syndrome. Last evaluated: 2020-10-23. Review status: criteria provided, single submitter. Criteria: Sema4 Curation Guidelines. Collection method: curation. Allele origin: germline.

Ambry Genetics
Classification: Likely benign for Hereditary cancer-predisposing syndrome. Last evaluated: 2017-07-05. Review status: criteria provided, single submitter. Criteria: Ambry Variant Classification Scheme 2023. Collection method: clinical testing. Allele origin: germline.